The following is an entry in ClinVar:

NM_015100.4(POGZ):c.970C>T (p.Leu324Phe)

Gene: POGZ (pogo transposable element derived with ZNF domain; minus strand). Cytogenetic location: 1q21.3.
Variant type: single nucleotide variant.
Coding change: c.970C>T on transcript NM_015100.4 (MANE Select); coding-DNA position 970, C replaced by T.
Protein change: p.Leu324Phe; replaces leucine 324 with phenylalanine.
Molecular consequence: missense variant.
Genome position (GRCh38, 1-based): chr1:151,427,931, G>A on the plus strand (C>T on the coding strand, the complement: POGZ is on the minus strand). VCF-style: chr1-151427931-G-A. GRCh37 (hg19) VCF-style: chr1-151400407-G-A.
Other names: c.943C>T, p.Leu315Phe (NM_001194937.2); c.784C>T, p.Leu262Phe (NM_001194938.2); c.991C>T, p.Leu331Phe (NM_001410860.1); c.685C>T, p.Leu229Phe (NM_145796.4); c.811C>T, p.Leu271Phe (NM_207171.2); short protein forms L229F, L262F, L271F, L315F, L324F, L331F.
Identifiers: ClinVar variation 4537806 (VCV004537806.1).
Genomic context (GRCh38, chr1:151,427,931, plus strand): 5'-AGCTGTTGTTGGACACCACCACTGGCCCAGGACTCTGGCCCAGGGAAGGGATGGTGTTAA[G>A]GGTATTCACCAATTTGGCCACTTCATTGCTATTTTCGCCTGTAACACCAGGTCGCTTCAC-3'
Protein context (NP_055915.2, residues 314-334): SNEVAKLVNT[Leu324Phe]NTIPSLGQSP

ClinVar aggregate classification (germline): Uncertain significance (1 of 4 stars; one submission).

Submission:

GeneDx
Classification: Uncertain significance. Last evaluated: 2025-06-13. Review status: criteria provided, single submitter. Criteria: GeneDx Variant Classification Process June 2021. Collection method: clinical testing. Allele origin: germline. Affected: yes.
Comment: Not observed at significant frequency in large population cohorts (gnomAD); In silico analysis suggests that this missense variant does not alter protein structure/function; Has not been previously published as pathogenic or benign to our knowledge